The following is an entry in ClinVar:

ClinVar aggregate classification (germline): Uncertain significance (1 of 4 stars; one submission).

Allele frequency attached by ClinVar (database versions not stated): TOPMed below 0.00001; gnomAD 0.00001; gnomAD exomes 0.00001.
gnomAD v4.1: 16 of 1,613,628 alleles (0.00099%); highest among the groups gnomAD compares: Non-Finnish European, 0.0013%; no homozygotes.

Submission:

Labcorp Genetics (formerly Invitae), Labcorp
Classification: Uncertain significance. Last evaluated: 2021-03-22. Review status: criteria provided, single submitter. Criteria: Invitae Variant Classification Sherloc (09022015). Collection method: clinical testing. Allele origin: germline.
Comment: This sequence change falls in intron 20 of the ERCC2 gene. It does not directly change the encoded amino acid sequence of the ERCC2 protein. It affects a nucleotide within the consensus splice site of the intron. This variant is not present in population databases (ExAC no frequency). This variant has not been reported in the literature in individuals with ERCC2-related conditions. Nucleotide substitutions within the consensus splice site are a relatively common cause of aberrant splicing (PMID: 17576681, 9536098). Algorithms developed to predict the effect of sequence changes on RNA splicing suggest that this variant is not likely to affect RNA splicing, but this prediction has not been confirmed by published transcriptional studies. In summary, the available evidence is currently insufficient to determine the role of this variant in disease. Therefore, it has been classified as a Variant of Uncertain Significance.

Literature cited by the submitters: PubMed 17576681; PubMed 9536098.

NM_000400.4(ERCC2):c.1902+6T>C

Gene: ERCC2 (ERCC excision repair 2, TFIIH core complex helicase subunit; minus strand). Cytogenetic location: 19q13.32.
Variant type: single nucleotide variant.
Coding change: c.1902+6T>C on transcript NM_000400.4 (MANE Select); 6 bases into the intron after coding-DNA position 1902, T replaced by C.
Molecular consequence: intron variant.
Genome position (GRCh38, 1-based): chr19:45,352,740, A>G on the plus strand (T>C on the coding strand, the complement: ERCC2 is on the minus strand). VCF-style: chr19-45352740-A-G. GRCh37 (hg19) VCF-style: chr19-45855998-A-G.
Identifiers: ClinVar variation 1398434 (VCV001398434.3), dbSNP rs1568531971, ClinGen allele CA633479965.